The following is an entry in ClinVar:

NM_001348323.3(TRIP12):c.5041A>T (p.Met1681Leu)

Gene: TRIP12 (thyroid hormone receptor interactor 12; minus strand). Cytogenetic location: 2q36.3.
Variant type: single nucleotide variant.
Coding change: c.5041A>T on transcript NM_001348323.3 (MANE Select); coding-DNA position 5041, A replaced by T.
Protein change: p.Met1681Leu; replaces methionine 1681 with leucine.
Molecular consequence: missense variant.
Genome position (GRCh38, 1-based): chr2:229,785,810, T>A on the plus strand (A>T on the coding strand, the complement: TRIP12 is on the minus strand). VCF-style: chr2-229785810-T-A. GRCh37 (hg19) VCF-style: chr2-230650526-T-A.
Other names: c.4939A>T, p.Met1647Leu (NM_001348332.1); c.4963A>T, p.Met1655Leu (NM_001348333.1); c.4816A>T, p.Met1606Leu (NM_004238.3); c.5041A>T, p.Met1681Leu (NM_001348322.1, NM_001348324.2, NM_001348325.2 and 2 more transcripts); c.5044A>T, p.Met1682Leu (NM_001348328.1, NM_001348329.2, NM_001348330.2); c.4819A>T, p.Met1607Leu (NM_001348331.1); c.4900A>T, p.Met1634Leu (NM_001348317.1, NM_001348318.2); c.5026A>T, p.Met1676Leu (NM_001348319.1, NM_001348320.2); and 4 more; short protein forms M1336L, M1606L, M1607L, M1634L, M1639L, M1647L, M1654L, M1655L.
Identifiers: ClinVar variation 4814112 (VCV004814112.1).
Genomic context (GRCh38, chr2:229,785,810, plus strand): 5'-AGCTCACCTCATTTTCATACTGGATTTCTAACATGGCCCGTGAGCTGCCGAGGTCCTGCA[T>A]CACAGACTCCGCCTGTTTCAGCAGCTCCTCTCGGTTCACAGTACGCTACAAAGAAAGTAC-3'
Protein context (NP_001335252.1, residues 1671-1691): EELLKQAESV[Met1681Leu]QDLGSSRAML

ClinVar aggregate classification (germline): Uncertain significance (1 of 4 stars; one submission).

Conditions:
Clark-Baraitser syndrome. Also called: MENTAL RETARDATION, AUTOSOMAL DOMINANT 49; Intellectual disability, autosomal dominant 49; BARAITSER SYNDROME; Mental retardation, tall stature, obesity, macrocephaly and typical facial features. Identifiers: Orphanet 600731, MedGen C2931130, MONDO:0030914, OMIM 617752.

Submission:

OLLIN Analises Genomicas, OLLIN
Classification: Uncertain significance for Clark-Baraitser syndrome. Last evaluated: 2026-02-13. Review status: criteria provided, single submitter. Criteria: ACMG Guidelines 2015 PMID 25741868. Collection method: clinical testing. Allele origin: germline. Observed: 1 variant allele.
Comment: PM2_P, BP4_M